The following is an entry in ClinVar:

ClinVar aggregate classification (germline): Uncertain significance. Review status: criteria provided, multiple submitters, no conflicts (2 of 4 stars). 7 submissions from 7 submitters: Uncertain significance (7). Last evaluated 2024-04-18.

Conditions:
Hereditary cancer-predisposing syndrome. Also called: Tumor predisposition; Hereditary neoplastic syndrome; Hereditary Cancer Syndrome; Neoplastic Syndromes, Hereditary. Identifiers: Orphanet 140162, MedGen C0027672, MeSH D009386, MONDO:0015356.
Hereditary breast ovarian cancer syndrome. Also called: Hereditary breast and/or ovarian cancer syndrome; Breast and ovarian cancer; Hereditary breast and ovarian cancer syndrome; Hereditary breast and ovarian cancer; Hereditary breast and ovarian cancer syndrome (HBOC); BRCA1- and BRCA2-Associated Hereditary Breast and Ovarian Cancer. Identifiers: Orphanet 145, MedGen C0677776, MeSH D061325, MONDO:0003582. Disease mechanism: loss of function.
Breast-ovarian cancer, familial, susceptibility to, 1 (BROVCA1). Also called: BRCA1 Hereditary Breast and Ovarian Cancer; OVARIAN CANCER, SUSCEPTIBILITY TO. Identifiers: Orphanet 145, MedGen C2676676, MONDO:0011450, OMIM 604370. Disease mechanism: loss of function.

Allele frequency attached by ClinVar (database versions not stated): gnomAD exomes below 0.00001; gnomAD 0.00001; TOPMed 0.00001.
gnomAD v4.1: 3 of 1,609,098 alleles (0.00019%); highest among the groups gnomAD compares: Non-Finnish European, 0.00026%; no homozygotes.

Submissions (7):

GeneDx
Classification: Uncertain significance. Last evaluated: 2024-04-18. Review status: criteria provided, single submitter. Criteria: GeneDx Variant Classification Process June 2021. Collection method: clinical testing. Allele origin: germline. Affected: yes.
Comment: Not observed at significant frequency in large population cohorts (gnomAD); In silico analysis supports that this missense variant has a deleterious effect on protein structure/function; Has not been previously published as pathogenic or benign to our knowledge; Also known as 421A>G; This variant is associated with the following publications: (PMID: 20215511)

Labcorp Genetics (formerly Invitae), Labcorp
Classification: Uncertain significance for Hereditary breast ovarian cancer syndrome. Last evaluated: 2024-01-16. Review status: criteria provided, single submitter. Criteria: Invitae Variant Classification Sherloc (09022015). Collection method: clinical testing. Allele origin: germline.
Comment: This sequence change replaces tyrosine, which is neutral and polar, with cysteine, which is neutral and slightly polar, at codon 101 of the BRCA1 protein (p.Tyr101Cys). This variant is not present in population databases (gnomAD no frequency). This variant has not been reported in the literature in individuals affected with BRCA1-related conditions. ClinVar contains an entry for this variant (Variation ID: 141504). An algorithm developed to predict the effect of missense changes on protein structure and function (PolyPhen-2) suggests that this variant is likely to be tolerated. In summary, the available evidence is currently insufficient to determine the role of this variant in disease. Therefore, it has been classified as a Variant of Uncertain Significance.

Ambry Genetics
Classification: Uncertain significance for Hereditary cancer-predisposing syndrome. Last evaluated: 2023-12-29. Review status: criteria provided, single submitter. Criteria: Ambry Variant Classification Scheme 2023. Collection method: clinical testing. Allele origin: germline.
Comment: The p.Y101C variant (also known as c.302A>G), located in coding exon 5 of the BRCA1 gene, results from a A to G substitution at nucleotide position 302. This variant impacts the first base pair of coding exon 5. The Tyrosine at codon 101 is replaced by Cysteine, an amino acid with highly dissimilar properties. This amino acid position is poorly conserved in available vertebrate species. In addition, the in silico prediction for this alteration is inconclusive. Since supporting evidence is limited at this time, the clinical significance of this alteration remains unclear.

All of Us Research Program, National Institutes of Health
Classification: Uncertain significance for Breast-ovarian cancer, familial, susceptibility to, 1. Last evaluated: 2023-12-13. Review status: criteria provided, single submitter. Criteria: ACMG Guidelines, 2015. Collection method: clinical testing. Allele origin: germline. Inheritance: Autosomal dominant inheritance. Observed: 2 variant alleles, 2 heterozygotes.
Comment: This missense variant replaces tyrosine with cysteine at codon 101 of the BRCA1 protein. Computational prediction is inconclusive regarding the impact of this variant on protein structure and function. To our knowledge, functional studies have not been reported for this variant. This variant has not been reported in individuals affected with BRCA1-related disorders in the literature. This variant has not been identified in the general population by the Genome Aggregation Database (gnomAD). The available evidence is insufficient to determine the role of this variant in disease conclusively. Therefore, this variant is classified as a Variant of Uncertain Significance.

This study involves interpretation of variants in research participants for the purpose of population health screening. Participant phenotype was not available at the time of variant classification. Additional details can be found in publication PMID: 35346344, PMCID: PMC8962531

Baylor Genetics
Classification: Uncertain significance for Breast-ovarian cancer, familial, susceptibility to, 1. Last evaluated: 2023-12-04. Review status: criteria provided, single submitter. Criteria: ACMG Guidelines, 2015. Collection method: clinical testing. Allele origin: unknown.

Color Diagnostics, LLC DBA Color Health
Classification: Uncertain significance for Hereditary cancer-predisposing syndrome. Last evaluated: 2023-11-16. Review status: criteria provided, single submitter. Criteria: ACMG Guidelines, 2015. Collection method: clinical testing. Allele origin: germline.
Comment: This missense variant replaces tyrosine with cysteine at codon 101 of the BRCA1 protein. Computational prediction is inconclusive regarding the impact of this variant on protein structure and function. To our knowledge, functional studies have not been reported for this variant. This variant has not been reported in individuals affected with BRCA1-related disorders in the literature. This variant has not been identified in the general population by the Genome Aggregation Database (gnomAD). The available evidence is insufficient to determine the role of this variant in disease conclusively. Therefore, this variant is classified as a Variant of Uncertain Significance.

Women's Health and Genetics/Laboratory Corporation of America, LabCorp
Classification: Uncertain significance. Last evaluated: 2022-11-25. Review status: criteria provided, single submitter. Criteria: LabCorp Variant Classification Summary - May 2015. Collection method: clinical testing. Allele origin: germline.
Comment: Variant summary: BRCA1 c.302A>G (p.Tyr101Cys) results in a non-conservative amino acid change in the encoded protein sequence. Four of five in-silico tools predict a benign effect of the variant on protein function. While the variant impacts the first nucleotide of exon 6, 4/4 computational tools predict no significant impact on normal splicing. However, these predictions have yet to be confirmed by functional studies.The variant was absent in 250608 control chromosomes. The available data on variant occurrences in the general population are insufficient to allow any conclusion about variant significance. To our knowledge, no occurrence of c.302A>G in individuals affected with Hereditary Breast And Ovarian Cancer Syndrome and no experimental evidence demonstrating its impact on protein function have been reported. Four clinical diagnostic laboratories have submitted clinical-significance assessments for this variant to ClinVar after 2014 without evidence for independent evaluation. All laboratories classified the variant as uncertain significance. Based on the evidence outlined above, the variant was classified as uncertain significance.

NM_007294.4(BRCA1):c.302A>G (p.Tyr101Cys)

Gene: BRCA1 (BRCA1 DNA repair associated; minus strand). Cytogenetic location: 17q21.31.
Variant type: single nucleotide variant.
Coding change: c.302A>G on transcript NM_007294.4 (MANE Select); coding-DNA position 302, A replaced by G.
Protein change: p.Tyr101Cys; replaces tyrosine 101 with cysteine.
Molecular consequence: missense variant. On other transcripts: non-coding transcript variant (1).
Genome position (GRCh38, 1-based): chr17:43,104,261, T>C on the plus strand (A>G on the coding strand, the complement: BRCA1 is on the minus strand). VCF-style: chr17-43104261-T-C. GRCh37 (hg19) VCF-style: chr17-41256278-T-C.
Other names: c.302A>G, p.Tyr101Cys (NM_001407668.1, NM_001407669.1, NM_001407670.1 and 165 more transcripts); c.92A>G, p.Tyr31Cys (NM_001407571.1, NM_001407853.1, NM_001407879.1 and 58 more transcripts); c.161A>G, p.Tyr54Cys (NM_001407692.1, NM_001407694.1, NM_001407695.1 and 99 more transcripts); c.293A>G, p.Asp98Gly (NM_001407646.1, NM_001407647.1, NM_001408408.1); c.224A>G, p.Tyr75Cys (NM_001407653.1, NM_001407654.1, NM_001407655.1 and 21 more transcripts); c.-80A>G (NM_001407959.1, NM_001407960.1, NM_001407962.1 and 4 more transcripts); c.170A>G, p.Tyr57Cys (NM_001408451.1); short protein forms Y101C, Y54C, Y31C, Y75C, D98G, Y57C.
Identifiers: ClinVar variation 141504 (VCV000141504.25), dbSNP rs587781798, ClinGen allele CA001994.